The following is an entry in ClinVar:

ClinVar aggregate classification (germline): Uncertain significance (1 of 4 stars; one submission).

Conditions:
Hereditary cancer-predisposing syndrome. Also called: Neoplastic Syndromes, Hereditary; Tumor predisposition; Hereditary neoplastic syndrome; Hereditary Cancer Syndrome. Identifiers: Orphanet 140162, MedGen C0027672, MeSH D009386, MONDO:0015356.

Submission:

Ambry Genetics
Classification: Uncertain significance for Hereditary cancer-predisposing syndrome. Last evaluated: 2026-07-06. Review status: criteria provided, single submitter. Criteria: Ambry Variant Classification Scheme 2023. Collection method: clinical testing. Allele origin: germline.
Comment: The p.I540M variant (also known as c.1620C>G), located in coding exon 10 of the PDGFRA gene, results from a C to G substitution at nucleotide position 1620. The isoleucine at codon 540 is replaced by methionine, an amino acid with highly similar properties. This amino acid position is conserved. In addition, this alteration is predicted to be tolerated by in silico analysis. Based on the available evidence, the clinical significance of this variant remains unclear.

NM_006206.6(PDGFRA):c.1620C>G (p.Ile540Met)

Gene: PDGFRA (platelet derived growth factor receptor alpha; plus strand). Cytogenetic location: 4q12.
Variant type: single nucleotide variant.
Coding change: c.1620C>G on transcript NM_006206.6 (MANE Select); coding-DNA position 1620, C replaced by G.
Protein change: p.Ile540Met; replaces isoleucine 540 with methionine.
Molecular consequence: missense variant.
Genome position (GRCh38, 1-based): chr4:54,274,592, C>G. VCF-style: chr4-54274592-C-G. GRCh37 (hg19) VCF-style: chr4-55140759-C-G.
Other names: c.1620C>G, p.Ile540Met (NM_001347827.2, NM_001347829.2); c.1695C>G, p.Ile565Met (NM_001347828.2); c.1659C>G, p.Ile553Met (NM_001347830.2); short protein forms I565M, I540M, I553M.
Identifiers: ClinVar variation 5026413 (VCV005026413.1).
Genomic context (GRCh38, chr4:54,274,592, plus strand): 5'-CCTGCGTTCTGAACTCACGGTGGCTGCTGCAGTCCTGGTGCTGTTGGTGATTGTGATCAT[C>G]TCACTTATTGTCCTGGTTGTCATTTGGAAACAGGTAGATATTTTCTCATAAAACTAAAGA-3'
Protein context (NP_006197.1, residues 530-550): AVLVLLVIVI[Ile540Met]SLIVLVVIWK